The following is an entry in ClinVar:

ClinVar aggregate classification (germline): Benign. Review status: criteria provided, single submitter (1 of 4 stars). 2 submissions from 2 submitters: Benign (1). 1 of the submissions does not count toward it. Last evaluated 2024-07-04.

Conditions:
SATB2-related disorder. Also called: SATB2-related condition.
Chromosome 2q32-q33 deletion syndrome (GLASS). Also called: Glass syndrome; 2q33.1 deletion syndrome. Identifiers: Orphanet 251019, MedGen C2676739, MONDO:0012864, OMIM 612313.

Allele frequency attached by ClinVar (database versions not stated): TOPMed below 0.00001; gnomAD 0.00001.
gnomAD v4.1: 1 of 1,613,344 alleles (0.000062%); highest among the groups gnomAD compares: Admixed American, 0.0017%; no homozygotes.

Submissions (2):

Labcorp Genetics (formerly Invitae), Labcorp
Classification: Benign for Chromosome 2q32-q33 deletion syndrome. Last evaluated: 2024-07-04. Review status: criteria provided, single submitter. Criteria: Invitae Variant Classification Sherloc (09022015). Collection method: clinical testing. Allele origin: germline.

PreventionGenetics, part of Exact Sciences
Classification: Likely benign for SATB2-related condition. Last evaluated: 2024-02-27. Review status: no assertion criteria provided. Collection method: clinical testing. Allele origin: germline. Not counted in ClinVar's aggregate classification.
Comment: This variant is classified as likely benign based on ACMG/AMP sequence variant interpretation guidelines (Richards et al. 2015 PMID: 25741868, with internal and published modifications).

NM_001172509.2(SATB2):c.1543-6C>G

Gene: SATB2 (SATB homeobox 2; minus strand). Cytogenetic location: 2q33.1.
Variant type: single nucleotide variant.
Coding change: c.1543-6C>G on transcript NM_001172509.2 (MANE Select); 6 bases into the intron before coding-DNA position 1543, C replaced by G.
Molecular consequence: intron variant.
Genome position (GRCh38, 1-based): chr2:199,308,963, G>C on the plus strand (C>G on the coding strand, the complement: SATB2 is on the minus strand). VCF-style: chr2-199308963-G-C. GRCh37 (hg19) VCF-style: chr2-200173686-G-C.
Other names: c.1543-6C>G (NM_001172517.1, NM_015265.4, NM_015265.3).
Identifiers: ClinVar variation 1489636 (VCV001489636.10), dbSNP rs1328592029, ClinGen allele CA538919100.